The following is an entry in ClinVar:

ClinVar aggregate classification (germline): Uncertain significance (1 of 4 stars; one submission).

Conditions:
Leber congenital amaurosis 1 (LCA1). Also called: AMAUROSIS CONGENITA OF LEBER I; RETINAL BLINDNESS, CONGENITAL; Congenital absence of the rods and cones; Leber's congenital tapetoretinal degeneration; Leber's congenital tapetoretinal dysplasia. Identifiers: Orphanet 65, MedGen C2931258, MONDO:0008764, OMIM 204000.
Cone-rod dystrophy 6 (CORD6). Also called: RETINAL CONE DYSTROPHY 2; Cone dystrophy progressive. Identifiers: Orphanet 1872, MedGen C1866293, MONDO:0011143, OMIM 601777.

gnomAD v4.1: 1 of 1,612,362 alleles (0.000062%); highest among the groups gnomAD compares: South Asian, 0.0011%; no homozygotes.

Submission:

Labcorp Genetics (formerly Invitae), Labcorp
Classification: Uncertain significance for Leber congenital amaurosis 1; Cone-rod dystrophy 6. Last evaluated: 2025-10-28. Review status: criteria provided, single submitter. Criteria: Invitae Variant Classification Sherloc (09022015). Collection method: clinical testing. Allele origin: germline.
Comment: This sequence change replaces proline, which is neutral and non-polar, with glutamine, which is neutral and polar, at codon 401 of the GUCY2D protein (p.Pro401Gln). This variant is not present in population databases (gnomAD no frequency). This variant has not been reported in the literature in individuals affected with GUCY2D-related conditions. Invitae Evidence Modeling of protein sequence and biophysical properties (such as structural, functional, and spatial information, amino acid conservation, physicochemical variation, residue mobility, and thermodynamic stability) indicates that this missense variant is not expected to disrupt GUCY2D protein function with a negative predictive value of 80%. In summary, the available evidence is currently insufficient to determine the role of this variant in disease. Therefore, it has been classified as a Variant of Uncertain Significance.

NM_000180.4(GUCY2D):c.1202C>A (p.Pro401Gln)

Gene: GUCY2D (guanylate cyclase 2D, retinal; plus strand). Cytogenetic location: 17p13.1.
Variant type: single nucleotide variant.
Coding change: c.1202C>A on transcript NM_000180.4 (MANE Select); coding-DNA position 1202, C replaced by A.
Protein change: p.Pro401Gln; replaces proline 401 with glutamine.
Molecular consequence: missense variant.
Genome position (GRCh38, 1-based): chr17:8,006,538, C>A. VCF-style: chr17-8006538-C-A. GRCh37 (hg19) VCF-style: chr17-7909856-C-A.
Other names: short protein forms P401Q.
Identifiers: ClinVar variation 4791111 (VCV004791111.1).